The following is an entry in ClinVar:

NM_004369.4(COL6A3):c.6409-15G>A

Gene: COL6A3 (collagen type VI alpha 3 chain; minus strand). Cytogenetic location: 2q37.3.
Variant type: single nucleotide variant.
Coding change: c.6409-15G>A on transcript NM_004369.4 (MANE Select); 15 bases into the intron before coding-DNA position 6409, G replaced by A.
Molecular consequence: intron variant.
Genome position (GRCh38, 1-based): chr2:237,358,598, C>T on the plus strand (G>A on the coding strand, the complement: COL6A3 is on the minus strand). VCF-style: chr2-237358598-C-T. GRCh37 (hg19) VCF-style: chr2-238267241-C-T.
Other names: c.4588-15G>A (NM_057166.5); c.5791-15G>A (NM_057167.4).
Identifiers: ClinVar variation 513970 (VCV000513970.1), dbSNP rs1553553017, ClinGen allele CA658796207.
Genomic context (GRCh38, chr2:237,358,598, plus strand): 5'-CAACATCTCCTCTTTCTCCTTTCTCTCCTCGAGGTCCTTTATCACCCTAAAGAAAAAGCA[C>T]AAGTGGATGCTAAAAACTAGATGTTTCCATTTTTATCTCACCCTAAAAATCACATTCTTC-3'

ClinVar aggregate classification (germline): Likely benign (1 of 4 stars; one submission).

Allele frequency attached by ClinVar (database versions not stated): gnomAD exomes below 0.00001.
gnomAD v4.1: 1 of 1,608,568 alleles (0.000062%); highest among the groups gnomAD compares: Non-Finnish European, 0.000085%; no homozygotes.

Submission:

GeneDx
Classification: Likely benign. Last evaluated: 2017-12-14. Review status: criteria provided, single submitter. Criteria: GeneDx Variant Classification (06012015). Collection method: clinical testing. Allele origin: germline. Affected: yes.
Comment: This variant is considered likely benign or benign based on one or more of the following criteria: it is a conservative change, it occurs at a poorly conserved position in the protein, it is predicted to be benign by multiple in silico algorithms, and/or has population frequency not consistent with disease.